The following is an entry in ClinVar:

ClinVar aggregate classification (germline): Uncertain significance (1 of 4 stars; one submission).

Conditions:
Intellectual developmental disorder, autosomal dominant 6, with or without seizures. Also called: GRIN2B-related developmental delay, intellectual disability and autism spectrum disorder; Intellectual disability, autosomal dominant 6. Identifiers: Orphanet 589547, MedGen C3151411, MONDO:0013509, OMIM 613970.
Developmental and epileptic encephalopathy, 27 (DEE27). Also called: Epileptic encephalopathy, early infantile, 27; GRIN2B-Related Neurodevelopmental Disorder. Identifiers: Orphanet 3451, MedGen C4015316, MONDO:0014505, OMIM 616139.

Allele frequency attached by ClinVar (database versions not stated): gnomAD exomes below 0.00001; ExAC 0.00001.
gnomAD v4.1: 2 of 1,611,784 alleles (0.00012%); no homozygotes.

Submission:

Labcorp Genetics (formerly Invitae), Labcorp
Classification: Uncertain significance for Developmental and epileptic encephalopathy, 27; Intellectual developmental disorder, autosomal dominant 6, with or without seizures. Last evaluated: 2023-04-25. Review status: criteria provided, single submitter. Criteria: Invitae Variant Classification Sherloc (09022015). Collection method: clinical testing. Allele origin: germline.
Comment: In summary, the available evidence is currently insufficient to determine the role of this variant in disease. Therefore, it has been classified as a Variant of Uncertain Significance. Advanced modeling of protein sequence and biophysical properties (such as structural, functional, and spatial information, amino acid conservation, physicochemical variation, residue mobility, and thermodynamic stability) performed at Invitae indicates that this missense variant is not expected to disrupt GRIN2B protein function. This variant has not been reported in the literature in individuals affected with GRIN2B-related conditions. This variant is present in population databases (rs752668123, gnomAD 0.01%). This sequence change replaces phenylalanine, which is neutral and non-polar, with leucine, which is neutral and non-polar, at codon 12 of the GRIN2B protein (p.Phe12Leu).

NM_000834.5(GRIN2B):c.36C>G (p.Phe12Leu)

Gene: GRIN2B (glutamate ionotropic receptor NMDA type subunit 2B; minus strand). Cytogenetic location: 12p13.1.
Variant type: single nucleotide variant.
Coding change: c.36C>G on transcript NM_000834.5 (MANE Select); coding-DNA position 36, C replaced by G.
Protein change: p.Phe12Leu; replaces phenylalanine 12 with leucine.
Molecular consequence: missense variant.
Genome position (GRCh38, 1-based): chr12:13,866,173, G>C on the plus strand (C>G on the coding strand, the complement: GRIN2B is on the minus strand). VCF-style: chr12-13866173-G-C. GRCh37 (hg19) VCF-style: chr12-14019107-G-C.
Other names: c.36C>G, p.Phe12Leu (NM_001413992.1, NM_001413993.1, NM_001413994.1 and 1 more transcripts); short protein forms F12L.
Identifiers: ClinVar variation 2947096 (VCV002947096.3), dbSNP rs752668123, ClinGen allele CA6461472.
Genomic context (GRCh38, chr12:13,866,173, plus strand): 5'-GGGGCTCTTCTGAGAACGAGCTCTGCTGCCTGACACGGCCAGGACGGCCAACACCAACCA[G>C]AACTTGGGAGAACAGCACTCCGCTCTGGGCTTCATCTTCAACTCGTCGACTCCCTGCAAA-3'
Protein context (NP_000825.2, residues 2-22): KPRAECCSPK[Phe12Leu]WLVLAVLAVS